The following is an entry in ClinVar:

ClinVar aggregate classification (germline): Pathogenic (1 of 4 stars; one submission).

Conditions:
Hereditary cancer-predisposing syndrome. Also called: Neoplastic Syndromes, Hereditary; Tumor predisposition; Hereditary Cancer Syndrome; Hereditary neoplastic syndrome. Identifiers: Orphanet 140162, MedGen C0027672, MeSH D009386, MONDO:0015356.

Submission:

Ambry Genetics
Classification: Pathogenic for Hereditary cancer-predisposing syndrome. Last evaluated: 2024-05-31. Review status: criteria provided, single submitter. Criteria: Ambry Variant Classification Scheme 2023. Collection method: clinical testing. Allele origin: germline.
Comment: The p.K1165* pathogenic mutation (also known as c.3493A>T), located in coding exon 15 of the APC gene, results from an A to T substitution at nucleotide position 3493. This changes the amino acid from a lysine to a stop codon within coding exon 15. This alteration is expected to result in loss of function by premature protein truncation. As such, this alteration is interpreted as a disease-causing mutation.

NM_000038.6(APC):c.3493A>T (p.Lys1165Ter)

Gene: APC (APC regulator of Wnt signaling pathway; plus strand). Cytogenetic location: 5q22.2.
Variant type: single nucleotide variant.
Coding change: c.3493A>T on transcript NM_000038.6 (MANE Select); coding-DNA position 3493, A replaced by T.
Protein change: p.Lys1165Ter; replaces lysine 1165 with a stop codon.
Molecular consequence: nonsense.
Genome position (GRCh38, 1-based): chr5:112,839,087, A>T. VCF-style: chr5-112839087-A-T. GRCh37 (hg19) VCF-style: chr5-112174784-A-T.
Other names: c.3493A>T, p.Lys1165Ter (NM_001127510.3, NM_001354895.2, NM_001407450.1); c.3439A>T, p.Lys1147Ter (NM_001127511.3); c.3547A>T, p.Lys1183Ter (NM_001354896.2, NM_001407447.1, NM_001407448.1 and 1 more transcripts); c.3523A>T, p.Lys1175Ter (NM_001354897.2); c.3418A>T, p.Lys1140Ter (NM_001354898.2); c.3409A>T, p.Lys1137Ter (NM_001354899.2); c.3370A>T, p.Lys1124Ter (NM_001354900.2); c.3316A>T, p.Lys1106Ter (NM_001354901.2, NM_001407453.1); and 11 more; short protein forms K1137*, K1193*, K1036*, K1082*, K1147*, K1175*, K1005*, K1064*.
Identifiers: ClinVar variation 1731962 (VCV001731962.3), dbSNP rs2149893078, ClinGen allele CA16029001.